The following is an entry in ClinVar:

NM_007363.5(NONO):c.1028G>A (p.Arg343Lys)

Gene: NONO (non-POU domain containing octamer binding; plus strand). Cytogenetic location: Xq13.1.
Variant type: single nucleotide variant.
Coding change: c.1028G>A on transcript NM_007363.5 (MANE Select); coding-DNA position 1028, G replaced by A.
Protein change: p.Arg343Lys; replaces arginine 343 with lysine.
Molecular consequence: missense variant.
Genome position (GRCh38, 1-based): chrX:71,297,461, G>A. VCF-style: chrX-71297461-G-A. GRCh37 (hg19) VCF-style: chrX-70517311-G-A.
Other names: c.1028G>A, p.Arg343Lys (NM_001145408.2, NM_001145409.2); c.761G>A, p.Arg254Lys (NM_001145410.2); short protein forms R254K, R343K.
Identifiers: ClinVar variation 1326478 (VCV001326478.2), dbSNP rs2148039353, ClinGen allele CA413546111.

ClinVar aggregate classification (germline): Uncertain significance (1 of 4 stars; one submission).

Submission:

GeneDx
Classification: Uncertain significance. Last evaluated: 2021-05-24. Review status: criteria provided, single submitter. Criteria: GeneDx Variant Classification Process June 2021. Collection method: clinical testing. Allele origin: germline. Affected: yes.
Comment: Not observed at significant frequency in large population cohorts (Lek et al., 2016); In-silico analysis is inconclusive as to whether the variant alters gene splicing. In the absence of RNA/functional studies, the actual effect of this sequence change is unknown.; In silico analysis supports that this missense variant does not alter protein structure/function; Has not been previously published as pathogenic or benign to our knowledge